The following is an entry in ClinVar:

ClinVar aggregate classification (germline): Likely pathogenic. Review status: criteria provided, multiple submitters, no conflicts (2 of 4 stars). 2 submissions from 2 submitters: Likely pathogenic (2). Last evaluated 2024-02-02.

Conditions:
Arthrogryposis multiplex congenita 6. Identifiers: MedGen C5543431, MONDO:0030281, OMIM 619334.
Nemaline myopathy 2 (NEM2). Also called: Nemaline myopathy 2, autosomal recessive. Identifiers: MedGen C1850569, MONDO:0009725, OMIM 256030.

Submissions (2):

Baylor Genetics
Classification: Likely pathogenic for Arthrogryposis multiplex congenita 6. Last evaluated: 2024-02-02. Review status: criteria provided, single submitter. Criteria: ACMG Guidelines, 2015. Collection method: clinical testing. Allele origin: unknown.

Myriad Genetics, Inc.
Classification: Likely pathogenic for Nemaline myopathy 2. Last evaluated: 2022-04-30. Review status: criteria provided, single submitter. Criteria: Myriad Women's Health Autosomal Recessive and X-Linked Classification Criteria (2021). Collection method: clinical testing. Allele origin: unknown.
Comment: NM_001271208.1(NEB):c.6411C>A(Y2137*) is expected to be pathogenic in the context of NEB-related nemaline myopathy. This variant is predicted to lead to an abnormal or absent protein product due to the creation of a premature termination codon in NEB, a gene where loss-of-function variants are known to be pathogenic. Please note: this variant was assessed in the context of healthy population screening.

NM_001164508.2(NEB):c.6411C>A (p.Tyr2137Ter)

Gene: NEB (nebulin; minus strand). Cytogenetic location: 2q23.3.
Variant type: single nucleotide variant.
Coding change: c.6411C>A on transcript NM_001164508.2 (MANE Select); coding-DNA position 6411, C replaced by A.
Protein change: p.Tyr2137Ter; replaces tyrosine 2137 with a stop codon.
Molecular consequence: nonsense.
Genome position (GRCh38, 1-based): chr2:151,656,237, G>T on the plus strand (C>A on the coding strand, the complement: NEB is on the minus strand). VCF-style: chr2-151656237-G-T. GRCh37 (hg19) VCF-style: chr2-152512751-G-T.
Other names: c.6411C>A, p.Tyr2137Ter (NM_001164507.2, NM_001271208.2, NM_004543.5); short protein forms Y2137*.
Identifiers: ClinVar variation 1725990 (VCV001725990.3), dbSNP rs2099084606, ClinGen allele CA348798831.
Genomic context (GRCh38, chr2:151,656,237, plus strand): 5'-CCTGGTCAGCTCAATGTTCATTGCATCTGGAAGGAGGATGTACTTGTGAATCAGGTGCTT[G>T]TAGTTAGTGTTGGTGATGTTGGCTTGGGCATCCTTTGCAGCCGTGACACTGAGCATGTCG-3'